The following is an entry in ClinVar:

ClinVar aggregate classification (germline): Uncertain significance (1 of 4 stars; one submission).

Conditions:
Adenylosuccinate lyase deficiency (ADSLD). Also called: ADSL DEFICIENCY. Identifiers: Orphanet 46, MedGen C0268126, MONDO:0007068, OMIM 103050.

Submission:

Labcorp Genetics (formerly Invitae), Labcorp
Classification: Uncertain significance for Adenylosuccinate lyase deficiency. Last evaluated: 2022-02-13. Review status: criteria provided, single submitter. Criteria: Invitae Variant Classification Sherloc (09022015). Collection method: clinical testing. Allele origin: germline.
Comment: This variant occurs in a non-coding region of the ADSL gene. It does not change the encoded amino acid sequence of the ADSL protein. This variant is not present in population databases (gnomAD no frequency). This variant has not been reported in the literature in individuals affected with ADSL-related conditions. Experimental studies and prediction algorithms are not available or were not evaluated, and the functional significance of this variant is currently unknown. In summary, the available evidence is currently insufficient to determine the role of this variant in disease. Therefore, it has been classified as a Variant of Uncertain Significance.

NC_000022.11:g.40346398A>G

Gene: ADSL (adenylosuccinate lyase; plus strand). Cytogenetic location: 22q13.1.
Variant type: single nucleotide variant.
Genome position: GRCh38 VCF-style: chr22-40346398-A-G. GRCh37 (hg19) VCF-style: chr22-40742402-A-G.
Identifiers: ClinVar variation 2169329 (VCV002169329.2), dbSNP rs997855603, ClinGen allele CA753180061.